The following is an entry in ClinVar:

ClinVar aggregate classification (germline): Likely pathogenic (1 of 4 stars; one submission).

Conditions:
Neurooculorenal syndrome (NORS). Identifiers: MedGen C5830377, MONDO:0957210, OMIM 620305.

Submission:

Dasa
Classification: Likely pathogenic for Neurooculorenal syndrome. Last evaluated: 2025-08-01. Review status: criteria provided, single submitter. Criteria: DASA Assertion Criteria. Collection method: clinical testing. Allele origin: germline.
Comment: NM_002941.4(ROBO1):c.1343-2A>G affects a canonical splice site and is predicted to disrupt normal RNA splicing. Loss of function is an established disease mechanism for ROBO1-associated disorders. Also, this variant is rare in population databases. Based on the currently available evidence, this variant is classified as likely pathogenic.

NM_002941.4(ROBO1):c.1343-2A>G

Gene: ROBO1 (roundabout guidance receptor 1; minus strand). Cytogenetic location: 3p12.3.
Variant type: single nucleotide variant.
Coding change: c.1343-2A>G on transcript NM_002941.4 (MANE Select); the canonical splice acceptor site of the intron before coding-DNA position 1343, A replaced by G.
Molecular consequence: splice acceptor variant.
Genome position (GRCh38, 1-based): chr3:78,670,303, T>C on the plus strand (A>G on the coding strand, the complement: ROBO1 is on the minus strand). VCF-style: chr3-78670303-T-C. GRCh37 (hg19) VCF-style: chr3-78719453-T-C.
Other names: c.1235-2A>G (NM_001145845.2, NM_133631.4).
Identifiers: ClinVar variation 4882652 (VCV004882652.2).